The following is an entry in ClinVar:

ClinVar aggregate classification (germline): Benign/Likely benign. Review status: criteria provided, multiple submitters, no conflicts (2 of 4 stars). 4 submissions from 4 submitters: Benign (2); Likely benign (2). Last evaluated 2026-01-20.

Conditions:
Hereditary cancer-predisposing syndrome. Also called: Tumor predisposition; Neoplastic Syndromes, Hereditary; Hereditary neoplastic syndrome; Hereditary Cancer Syndrome. Identifiers: Orphanet 140162, MedGen C0027672, MeSH D009386, MONDO:0015356.
Oligodontia-cancer predisposition syndrome. Also called: TOOTH AGENESIS-COLORECTAL CANCER SYNDROME. Identifiers: Orphanet 300576, MedGen C1837750, MONDO:0012075, OMIM 608615. Disease mechanism: loss of function.

Allele frequency attached by ClinVar (database versions not stated): gnomAD 0.00001; gnomAD exomes 0.00001 and 0.00004; ExAC 0.00003; TOPMed 0.00003.
gnomAD v4.1: 20 of 1,614,022 alleles (0.0012%); highest among the groups gnomAD compares: Admixed American, 0.023%; no homozygotes.

Submissions (4):

Labcorp Genetics (formerly Invitae), Labcorp
Classification: Likely benign for Oligodontia-cancer predisposition syndrome. Last evaluated: 2026-01-20. Review status: criteria provided, single submitter. Criteria: Invitae Variant Classification Sherloc (09022015). Collection method: clinical testing. Allele origin: germline.

Myriad Genetics, Inc.
Classification: Benign for Oligodontia-cancer predisposition syndrome. Last evaluated: 2024-07-05. Review status: criteria provided, single submitter. Criteria: Myriad Autosomal Dominant, Autosomal Recessive and X-Linked Classification Criteria (2023). Collection method: clinical testing. Allele origin: unknown.
Comment: This variant is considered benign. This variant is a silent/synonymous amino acid change and it is not expected to impact splicing.

Ambry Genetics
Classification: Likely benign for Hereditary cancer-predisposing syndrome. Last evaluated: 2020-02-18. Review status: criteria provided, single submitter. Criteria: Ambry Variant Classification Scheme 2023. Collection method: clinical testing. Allele origin: germline.

Women's Health and Genetics/Laboratory Corporation of America, LabCorp
Classification: Benign. Last evaluated: 2019-05-24. Review status: criteria provided, single submitter. Criteria: LabCorp Variant Classification Summary - May 2015. Collection method: clinical testing. Allele origin: germline.
Comment: Variant summary: AXIN2 c.1671C>T alters a non-conserved nucleotide resulting in a synonymous change. 4/5 computational tools predict no significant impact on normal splicing. However, these predictions have yet to be confirmed by functional studies. The variant allele was found at a frequency of 4.4e-05 in 250528 control chromosomes, predominantly at a frequency of 0.00029 within the Latino subpopulation in the gnomAD database. The observed variant frequency within Latino control individuals in the gnomAD database is approximately 2 fold of the estimated maximal expected allele frequency for a pathogenic variant in AXIN2 causing Colorectal Cancer phenotype (0.00014), strongly suggesting that the variant is a benign polymorphism found primarily in populations of Latino origin. To our knowledge, no occurrence of c.1671C>T in individuals affected with Colorectal Cancer and no experimental evidence demonstrating its impact on protein function have been reported. A ClinVar submitter (evaluation after 2014) cites the variant as likely benign. Based on the evidence outlined above, the variant was classified as benign.

NM_004655.4(AXIN2):c.1671C>T (p.Ser557=)

Gene: AXIN2 (axin 2; minus strand). Cytogenetic location: 17q24.1.
Variant type: single nucleotide variant.
Coding change: c.1671C>T on transcript NM_004655.4 (MANE Select); coding-DNA position 1671, C replaced by T.
Protein change: p.Ser557=; no amino-acid change (serine 557 retained).
Molecular consequence: synonymous variant.
Genome position (GRCh38, 1-based): chr17:65,537,365, G>A on the plus strand (C>T on the coding strand, the complement: AXIN2 is on the minus strand). VCF-style: chr17-65537365-G-A. GRCh37 (hg19) VCF-style: chr17-63533483-G-A.
Other names: c.1671C>T (LRG_296t1); c.1671C>T, p.Ser557= (NM_001363813.1).
Identifiers: ClinVar variation 415228 (VCV000415228.16), dbSNP rs763146338, ClinGen allele CA8718580.